The following is an entry in ClinVar:

NM_001365536.1(SCN9A):c.191G>C (p.Gly64Ala)

Gene: SCN9A (sodium voltage-gated channel alpha subunit 9; minus strand). Cytogenetic location: 2q24.3.
Variant type: single nucleotide variant.
Coding change: c.191G>C on transcript NM_001365536.1 (MANE Select); coding-DNA position 191, G replaced by C.
Protein change: p.Gly64Ala; replaces glycine 64 with alanine.
Molecular consequence: missense variant.
Genome position (GRCh38, 1-based): chr2:166,311,566, C>G on the plus strand (G>C on the coding strand, the complement: SCN9A is on the minus strand). VCF-style: chr2-166311566-C-G. GRCh37 (hg19) VCF-style: chr2-167168076-C-G.
Other names: c.191G>C, p.Gly64Ala (NM_002977.4); short protein forms G64A.
Identifiers: ClinVar variation 854685 (VCV000854685.10), dbSNP rs558889724, ClinGen allele CA349095909.

ClinVar aggregate classification (germline): Uncertain significance (1 of 4 stars; one submission).

Conditions:
Generalized epilepsy with febrile seizures plus, type 7 (GEFSP7). Also called: GEFS+, TYPE 7. Identifiers: Orphanet 36387, MedGen C2751778, MONDO:0013470, OMIM 613863.
Neuropathy, hereditary sensory and autonomic, type 2A (HSAN2A). Also called: MORVAN DISEASE; NEUROPATHY, CONGENITAL SENSORY; NEUROPATHY, HEREDITARY SENSORY RADICULAR, AUTOSOMAL RECESSIVE; NEUROPATHY, HEREDITARY SENSORY, TYPE IIA; NEUROPATHY, PROGRESSIVE SENSORY, OF CHILDREN; WNK1-Related HSAN2 (HSAN2A). Identifiers: Orphanet 970, MedGen C2752089, MONDO:0024309, OMIM 201300.

Allele frequency attached by ClinVar (database versions not stated): TOPMed below 0.00001; gnomAD 0.00001.
gnomAD v4.1: 1 of 1,612,962 alleles (0.000062%); highest among the groups gnomAD compares: Non-Finnish European, 0.000085%; no homozygotes.

Submission:

Labcorp Genetics (formerly Invitae), Labcorp
Classification: Uncertain significance for Neuropathy, hereditary sensory and autonomic, type 2A; Generalized epilepsy with febrile seizures plus, type 7. Last evaluated: 2019-02-18. Review status: criteria provided, single submitter. Criteria: Invitae Variant Classification Sherloc (09022015). Collection method: clinical testing. Allele origin: germline.
Comment: In summary, the available evidence is currently insufficient to determine the role of this variant in disease. Therefore, it has been classified as a Variant of Uncertain Significance. Algorithms developed to predict the effect of missense changes on protein structure and function are either unavailable or do not agree on the potential impact of this missense change (SIFT: "Deleterious"; PolyPhen-2: "Possibly Damaging"; Align-GVGD: "Class C0"). This variant has not been reported in the literature in individuals with SCN9A-related conditions. This variant is not present in population databases (ExAC no frequency). This sequence change replaces glycine with alanine at codon 64 of the SCN9A protein (p.Gly64Ala). The glycine residue is highly conserved and there is a small physicochemical difference between glycine and alanine.